The following is an entry in ClinVar:

ClinVar aggregate classification (germline): Uncertain significance (1 of 4 stars; one submission).

Conditions:
Glycogen storage disease due to muscle beta-enolase deficiency (GSD13). Also called: ENOLASE 3 DEFICIENCY; ENOLASE-BETA DEFICIENCY; GSD XIII; Glycogen Storage Disease Type XIII. Identifiers: Orphanet 99849, MedGen C2752027, MONDO:0013046, OMIM 612932.

gnomAD v4.1: 7 of 1,614,254 alleles (0.00043%); highest among the groups gnomAD compares: Admixed American, 0.0017%; no homozygotes.

Submission:

Labcorp Genetics (formerly Invitae), Labcorp
Classification: Uncertain significance for Glycogen storage disease due to muscle beta-enolase deficiency. Last evaluated: 2022-07-06. Review status: criteria provided, single submitter. Criteria: Invitae Variant Classification Sherloc (09022015). Collection method: clinical testing. Allele origin: germline.
Comment: In summary, the available evidence is currently insufficient to determine the role of this variant in disease. Therefore, it has been classified as a Variant of Uncertain Significance. This sequence change affects a donor splice site in intron 5 of the ENO3 gene. It is expected to disrupt RNA splicing. Variants that disrupt the donor or acceptor splice site typically lead to a loss of protein function (PMID: 16199547), however the current clinical and genetic evidence is not sufficient to establish whether loss-of-function variants in ENO3 cause disease. This variant is not present in population databases (gnomAD no frequency). This variant has not been reported in the literature in individuals affected with ENO3-related conditions. ClinVar contains an entry for this variant (Variation ID: 1383337). Algorithms developed to predict the effect of sequence changes on RNA splicing suggest that this variant may disrupt the consensus splice site.

Literature cited by the submitters: PubMed 16199547.

NM_053013.4(ENO3):c.310+1G>C

Gene: ENO3 (enolase 3; plus strand). Cytogenetic location: 17p13.2.
Variant type: single nucleotide variant.
Coding change: c.310+1G>C on transcript NM_053013.4 (MANE Select); the canonical splice donor site of the intron after coding-DNA position 310, G replaced by C.
Molecular consequence: splice donor variant. On other transcripts: intron variant (1).
Genome position (GRCh38, 1-based): chr17:4,953,342, G>C. VCF-style: chr17-4953342-G-C. GRCh37 (hg19) VCF-style: chr17-4856637-G-C.
Other names: c.337+1G>C (NM_001374524.1); c.310+1G>C (NM_001976.5, NM_001374523.1); c.182-370G>C (NM_001193503.2).
Identifiers: ClinVar variation 1383337 (VCV001383337.5), dbSNP rs113298706, ClinGen allele CA287173472.
Genomic context (GRCh38, chr17:4,953,342, plus strand): 5'-TTGTGGATCAAGAAAAAGTTGACAAATTTATGATTGAGCTAGATGGGACCGAGAATAAGT[G>C]TGAGTGAAGGGCTAGCGGTGGGGAAGGGATGAGGTGTGGGAGAGATGGCGAGAGGCCATG-3'